The following is an entry in ClinVar:

NM_001355436.2(SPTB):c.3004C>G (p.Arg1002Gly)

Gene: SPTB (spectrin beta, erythrocytic; minus strand). Cytogenetic location: 14q23.3.
Variant type: single nucleotide variant.
Coding change: c.3004C>G on transcript NM_001355436.2 (MANE Select); coding-DNA position 3004, C replaced by G.
Protein change: p.Arg1002Gly; replaces arginine 1002 with glycine.
Molecular consequence: missense variant.
Genome position (GRCh38, 1-based): chr14:64,786,961, G>C on the plus strand (C>G on the coding strand, the complement: SPTB is on the minus strand). VCF-style: chr14-64786961-G-C. GRCh37 (hg19) VCF-style: chr14-65253679-G-C.
Other names: c.3004C>G, p.Arg1002Gly (NM_001355437.2, NM_001024858.4); short protein forms R1002G.
Identifiers: ClinVar variation 3708758 (VCV003708758.3).

ClinVar aggregate classification (germline): Uncertain significance (1 of 4 stars; one submission).

gnomAD v4.1: 18 of 1,613,918 alleles (0.0011%); highest among the groups gnomAD compares: East Asian, 0.016%; no homozygotes.

Submissions (2):

Labcorp Genetics (formerly Invitae), Labcorp
Classification: Uncertain significance. Last evaluated: 2024-10-19. Review status: criteria provided, single submitter. Criteria: Invitae Variant Classification Sherloc (09022015). Collection method: clinical testing. Allele origin: germline.
Comment: This sequence change replaces arginine, which is basic and polar, with glycine, which is neutral and non-polar, at codon 1002 of the SPTB protein (p.Arg1002Gly). This variant is present in population databases (rs146911028, gnomAD 0.02%). This variant has not been reported in the literature in individuals affected with SPTB-related conditions. An algorithm developed to predict the effect of missense changes on protein structure and function (PolyPhen-2) suggests that this variant is likely to be disruptive. In summary, the available evidence is currently insufficient to determine the role of this variant in disease. Therefore, it has been classified as a Variant of Uncertain Significance.

Dr. Peter K. Rogan Lab, Western University
No classification provided (evidence only). Condition: Clear cell carcinoma of kidney. Review status: no classification provided. Collection method: in vitro. Allele origin: not applicable. Functional consequence: retained intron. Not counted in ClinVar's aggregate classification.